The following is an entry in ClinVar:

NM_001100.4(ACTA1):c.283G>A (p.Glu95Lys)

Gene: ACTA1 (actin alpha 1, skeletal muscle; minus strand). Cytogenetic location: 1q42.13.
Variant type: single nucleotide variant.
Coding change: c.283G>A on transcript NM_001100.4 (MANE Select); coding-DNA position 283, G replaced by A.
Protein change: p.Glu95Lys; replaces glutamic acid 95 with lysine.
Molecular consequence: missense variant.
Genome position (GRCh38, 1-based): chr1:229,432,727, C>T on the plus strand (G>A on the coding strand, the complement: ACTA1 is on the minus strand). VCF-style: chr1-229432727-C-T. GRCh37 (hg19) VCF-style: chr1-229568474-C-T.
Other names: NM_001100.4(ACTA1):c.283G>A; p.Glu95Lys; short protein forms E95K.
Identifiers: ClinVar variation 654469 (VCV000654469.15), dbSNP rs1571893814, ClinGen allele CA345150112.

ClinVar aggregate classification (germline): Pathogenic. Review status: reviewed by expert panel (3 of 4 stars). 4 submissions from 4 submitters: Pathogenic (1). 3 of the submissions do not count toward it. Last evaluated 2024-08-27.

Conditions:
Alpha-actinopathy. Also called: Actinopathy. Identifiers: MedGen CN295279, MONDO:0100084.
Actin accumulation myopathy (CMYO2A). Also called: Nemaline myopathy type 3; Myopathy, actin, congenital, with excess of thin myofilaments; CONGENITAL MYOPATHY 2A, TYPICAL, AUTOSOMAL DOMINANT; Myopathy, actin, congenital, with cores; Nemaline myopathy 3, with intranuclear rods. Identifiers: Orphanet 98904, MedGen C3711389, MONDO:0008070, OMIM 161800.
Congenital myopathy. Identifiers: Orphanet 97245, MedGen C0270960, MONDO:0019952.

Submissions (4):

ClinGen Congenital Myopathies Variant Curation Expert Panel, ClinGen
Classification: Pathogenic for Alpha-actinopathy. Last evaluated: 2024-08-27. Review status: reviewed by expert panel. Criteria: ClinGen CongenMyopathy ACMG Specifications ACTA1_AD_ V2.0.0. Collection method: curation. Allele origin: germline. Inheritance: Autosomal dominant inheritance.
Comment: The c.283G>A variant in ACTA1 is a missense variant predicted to cause substitution of glutamic acid by lysine at amino acid 95 (legacy nomenclature: p.Glu93Lys). This variant is absent from gnomAD v4.1.1 (PM2_Supporting). The computational predictor REVEL gives a score of 0.933, which is above the threshold of 0.7, evidence that correlates with impact to ACTA1 function (PP3). ACTA1, in which the variant was identified, is defined by the ClinGen Congenital Myopathies VCEP as a gene that has a low rate of benign missense variation and where pathogenic missense variants are a common mechanism of disease (PP2). This variant has been reported in 4 probands with severe hypotonia and/or congenital myopathy (PS4_Moderate; PMID: 35810298, Invitae, ClinVar SCV:SCV000950636.2). In one of those four individuals, the variant has been identified as a de novo occurrence with confirmed parental relationships (PS2; Invitae, ClinVar SCV:SCV000950636.2). At least one patient with this variant displayed intranuclear rods and type 1 muscle fiber predominance, which is highly specific for alpha-actinopathy and has had exome testing that is negative for all other causes of myopathy (PP4_Strong, PMID: 35810298). In summary, this variant meets the criteria to be classified as pathogenic for autosomal dominant alpha-actinopathy based on the ACMG/AMP criteria applied, as specified by the ClinGen Congenital Myopathies VCEP: PP4_Strong, PS4_Moderate, PS2_Supporting, PM2_Supporting, PP2, PP3 (Congenital Myopathies VCEP specifications version 2; 08/27/2024).

3billion
Classification: Pathogenic for Actin accumulation myopathy. Last evaluated: 2024-12-03. Review status: criteria provided, single submitter. Criteria: ACMG Guidelines, 2015. Collection method: clinical testing. Allele origin: germline. Inheritance: Autosomal dominant inheritance. Affected: yes. Observed: 1 heterozygote. Not counted in ClinVar's aggregate classification.
Comment: The variant is not observed in the gnomAD v4.1.0 dataset. In silico predictions suggest a damaging effect of the variant on gene or gene product [REVEL: 0.93 (>=0.6); 3Cnet: 1.00 (>=0.6)]. A missense variant is a common disease-causing mechanism. The same nucleotide change resulting in the same amino acid change has been previously reported to be associated with ACTA1-related disorder (ClinVar ID: VCV000654469 / PMID: 35810298). The variant has been previously reported as de novo in a similarly affected individual (PMID: 35810298). Therefore, this variant is classified as pathogenic according to the recommendation of the ACMG/AMP guideline.

Muscle and Diseases Team, Institut de Génétique et Biologie Moléculaire et Cellulaire
Classification: Pathogenic for Congenital myopathy. Last evaluated: 2024-03-01. Review status: criteria provided, single submitter. Criteria: ACMG Guidelines, 2015. Collection method: research. Allele origin: de novo. Affected: yes. Observed: 1 variant allele. Not counted in ClinVar's aggregate classification.
Comment: PS2+PM1+PM2+PP2+PP3+PP5

Labcorp Genetics (formerly Invitae), Labcorp
Classification: Pathogenic for Actin accumulation myopathy. Last evaluated: 2022-07-26. Review status: criteria provided, single submitter. Criteria: Invitae Variant Classification Sherloc (09022015). Collection method: clinical testing. Allele origin: germline. Not counted in ClinVar's aggregate classification.
Comment: This sequence change replaces glutamic acid, which is acidic and polar, with lysine, which is basic and polar, at codon 95 of the ACTA1 protein (p.Glu95Lys). This variant is not present in population databases (gnomAD no frequency). This missense change has been observed in individual(s) with clinical features of autosomal dominant congenital myopathy (PMID: 21520333; Invitae). In at least one individual the variant was observed to be de novo. ClinVar contains an entry for this variant (Variation ID: 654469). Advanced modeling of protein sequence and biophysical properties (such as structural, functional, and spatial information, amino acid conservation, physicochemical variation, residue mobility, and thermodynamic stability) performed at Invitae indicates that this missense variant is expected to disrupt ACTA1 protein function. For these reasons, this variant has been classified as Pathogenic.

Literature cited by the submitters: DOI 10.1186/s13073-024-01353-0 (cited by Muscle and Diseases Team, Institut de Génétique et Biologie Moléculaire et Cellulaire); PubMed 35810298 (cited by Muscle and Diseases Team, Institut de Génétique et Biologie Moléculaire et Cellulaire); PubMed 21520333 (cited by Labcorp Genetics (formerly Invitae), Labcorp).